The following is an entry in ClinVar:

ClinVar aggregate classification (germline): Conflicting classifications of pathogenicity. Review status: criteria provided, conflicting classifications (1 of 4 stars). 3 submissions from 3 submitters: Uncertain significance (1); Likely benign (2). Last evaluated 2025-10-06.

Conditions:
Glaucoma 3, primary infantile, B. Also called: GLC3B; GLAUCOMA, PRIMARY CONGENITAL, TYPE B; GLC3 type B; Primary congenital glaucoma type 3B; Glaucoma primary congenita type 3B. Identifiers: Orphanet 98976, MedGen C1832977, MONDO:0010968, OMIM 600975.
Glaucoma 3, primary congenital, D. Identifiers: Orphanet 98976, MedGen C2751316, MONDO:0013122, OMIM 613086.
Weill-Marchesani syndrome 3 (WMS3). Also called: Weill-Marchesani syndrome 3, recessive; LTBP2-Related Weill-Marchesani Syndrome. Identifiers: Orphanet 3449, MedGen C3553785, MONDO:0013899, OMIM 614819.
Microspherophakia and/or megalocornea, with ectopia lentis and with or without secondary glaucoma (MSPKA). Identifiers: Orphanet 238763, MedGen C3538951, MONDO:0009633, OMIM 251750.

Allele frequency attached by ClinVar (database versions not stated): gnomAD exomes 0.00006 and 0.00009; gnomAD 0.00007; ExAC 0.00008; ESP Exome Variant Server 0.00008.
gnomAD v4.1: 136 of 1,604,080 alleles (0.0085%); highest among the groups gnomAD compares: Non-Finnish European, 0.011%; no homozygotes.

Submissions (3):

Labcorp Genetics (formerly Invitae), Labcorp
Classification: Likely benign. Last evaluated: 2025-10-06. Review status: criteria provided, single submitter. Criteria: Invitae Variant Classification Sherloc (09022015). Collection method: clinical testing. Allele origin: germline.

CeGaT Center for Human Genetics Tuebingen
Classification: Likely benign. Last evaluated: 2022-10-01. Review status: criteria provided, single submitter. Criteria: CeGaT Center For Human Genetics Tuebingen Variant Classification Criteria Version 2. Collection method: clinical testing. Allele origin: germline. Affected: yes. Observed: 1 variant allele.
Comment: LTBP2: BP4, BP7

Fulgent Genetics
Classification: Uncertain significance for Microspherophakia and/or megalocornea, with ectopia lentis and with or without secondary glaucoma; Glaucoma 3, primary infantile, B; Glaucoma 3, primary congenital, D; Weill-Marchesani syndrome 3. Last evaluated: 2021-10-29. Review status: criteria provided, single submitter. Criteria: ACMG Guidelines, 2015. Collection method: clinical testing. Allele origin: unknown.

NM_000428.3(LTBP2):c.654C>T (p.Cys218=)

Gene: LTBP2 (latent transforming growth factor beta binding protein 2; minus strand). Cytogenetic location: 14q24.3.
Variant type: single nucleotide variant.
Coding change: c.654C>T on transcript NM_000428.3 (MANE Select); coding-DNA position 654, C replaced by T.
Protein change: p.Cys218=; no amino-acid change (cysteine 218 retained).
Molecular consequence: synonymous variant.
Genome position (GRCh38, 1-based): chr14:74,586,030, G>A on the plus strand (C>T on the coding strand, the complement: LTBP2 is on the minus strand). VCF-style: chr14-74586030-G-A. GRCh37 (hg19) VCF-style: chr14-75052733-G-A.
Identifiers: ClinVar variation 1354646 (VCV001354646.32), dbSNP rs375324850, ClinGen allele CA7270122.